The following is an entry in ClinVar:

NM_001943.5(DSG2):c.2587A>C (p.Met863Leu)

Genes: DSG2 (desmoglein 2; plus strand), DSG2-AS1 (DSG2 antisense RNA 1; minus strand). Cytogenetic location: 18q12.1.
Variant type: single nucleotide variant.
Coding change: c.2587A>C on transcript NM_001943.5 (MANE Select); coding-DNA position 2587, A replaced by C.
Protein change: p.Met863Leu; replaces methionine 863 with leucine.
Molecular consequence: missense variant.
Genome position (GRCh38, 1-based): chr18:31,545,973, A>C. VCF-style: chr18-31545973-A-C. GRCh37 (hg19) VCF-style: chr18-29125936-A-C.
Other names: p.M863L:ATG>CTG; short protein forms M863L.
Identifiers: ClinVar variation 44304 (VCV000044304.44), dbSNP rs16962093, ClinGen allele CA021831.

ClinVar aggregate classification (germline): Benign/Likely benign. Review status: criteria provided, multiple submitters, no conflicts (2 of 4 stars). 18 submissions from 18 submitters: Benign (12); Likely benign (1). 5 of the submissions do not count toward it. Last evaluated 2026-09-21.

Conditions:
Cardiovascular phenotype. Identifiers: MedGen CN230736.
Arrhythmogenic right ventricular dysplasia 10. Also called: Arrhythmogenic Right Ventricular Dysplasia/Cardiomyopathy10; Arrhythmogenic right ventricular dysplasia/cardiomyopathy, type 10; ARRHYTHMOGENIC RIGHT VENTRICULAR DYSPLASIA, FAMILIAL, 10. Identifiers: MedGen C1857777, MONDO:0012434, OMIM 610193.
Dilated cardiomyopathy 1BB (CMD1BB). Also called: CARDIOMYOPATHY, DILATED, 1BB, SUSCEPTIBILITY TO. Identifiers: Orphanet 154, MedGen C2752072, MONDO:0013030, OMIM 612877.
Arrhythmogenic right ventricular cardiomyopathy (ARVD). Also called: Arrhythmogenic cardiomyopathy; Arrhythmogenic Right Ventricular Cardiomyopathy (ARVC); Cardiomyopathy, ARVC; Arrhythmogenic right ventricular dysplasia. Identifiers: Orphanet 247, MedGen C0349788, MeSH D019571, MONDO:0016587. Disease mechanism: loss of function. Inheritance: Various modes of inheritance.
Cardiomyopathy (CMYO). Also called: Cardiomyopathies. Identifiers: Orphanet 167848, MedGen C0878544, MONDO:0004994, HP:0001638. Inheritance: Various modes of inheritance.

Allele frequency attached by ClinVar (database versions not stated): 1000 Genomes Project 0.00779; TOPMed 0.00723; gnomAD exomes 0.00058 and 0.00165; gnomAD 0.00654 and 0.00694; ESP Exome Variant Server 0.00706; 1000 Genomes Project 30x 0.00812; ExAC 0.00194.
gnomAD v4.1: 1,902 of 1,614,206 alleles (0.12%); highest among the groups gnomAD compares: African/African-American, 2.2%; 25 homozygotes.

Submissions (18):

Molecular Diagnostic Laboratory for Inherited Cardiovascular Disease, Montreal Heart Institute
Classification: Benign. Last evaluated: 2026-09-21. Review status: criteria provided, single submitter. Criteria: ACMG Guidelines, 2015. Collection method: clinical testing. Allele origin: germline. Affected: no.
Comment: BS1;BP4;BP6

Labcorp Genetics (formerly Invitae), Labcorp
Classification: Benign for Arrhythmogenic right ventricular dysplasia 10. Last evaluated: 2026-02-03. Review status: criteria provided, single submitter. Criteria: Invitae Variant Classification Sherloc (09022015). Collection method: clinical testing. Allele origin: germline.

All of Us Research Program, National Institutes of Health
Classification: Benign for Arrhythmogenic right ventricular cardiomyopathy. Last evaluated: 2024-09-27. Review status: criteria provided, single submitter. Criteria: ACMG Guidelines, 2015. Collection method: clinical testing. Allele origin: germline. Inheritance: Autosomal dominant inheritance. Observed: 562 variant alleles, 558 heterozygotes, 4 homozygotes.
Comment: This study involves interpretation of variants in research participants for the purpose of population health screening. Participant phenotype was not available at the time of variant classification. Additional details can be found in publication PMID: 35346344, PMCID: PMC8962531

ARUP Laboratories, Molecular Genetics and Genomics, ARUP Laboratories
Classification: Benign. Last evaluated: 2023-01-03. Review status: criteria provided, single submitter. Criteria: ARUP Molecular Germline Variant Investigation Process 2024. Collection method: clinical testing. Allele origin: germline.

Fulgent Genetics
Classification: Benign for Arrhythmogenic right ventricular dysplasia 10; Dilated cardiomyopathy 1BB. Last evaluated: 2021-07-29. Review status: criteria provided, single submitter. Criteria: ACMG Guidelines, 2015. Collection method: clinical testing. Allele origin: unknown.

Color Diagnostics, LLC DBA Color Health
Classification: Benign for Cardiomyopathy. Last evaluated: 2018-06-11. Review status: criteria provided, single submitter. Criteria: ACMG Guidelines, 2015. Collection method: clinical testing. Allele origin: germline.

Illumina Laboratory Services, Illumina
Classification: Likely benign for Arrhythmogenic right ventricular dysplasia 10. Last evaluated: 2018-01-13. Review status: criteria provided, single submitter. Criteria: ICSL Variant Classification Criteria 13 December 2019. Collection method: clinical testing. Allele origin: germline.
Comment: This variant was observed in the ICSL laboratory as part of a predisposition screen in an ostensibly healthy population. It had not been previously curated by ICSL or reported in the Human Gene Mutation Database (HGMD: prior to June 1st, 2018), and was therefore a candidate for classification through an automated scoring system. Utilizing variant allele frequency, disease prevalence and penetrance estimates, and inheritance mode, an automated score was calculated to assess if this variant is too frequent to cause the disease. Based on the score and internal cut-off values, a variant classified as likely benign is not then subjected to further curation. The score for this variant resulted in a classification of likely benign for this disease.

Mayo Clinic Laboratories, Mayo Clinic
Classification: Benign. Last evaluated: 2017-12-12. Review status: criteria provided, single submitter. Criteria: ACMG Guidelines, 2015. Collection method: clinical testing. Allele origin: germline. Observed: 8 variant alleles.

CHEO Genetics Diagnostic Laboratory, Children's Hospital of Eastern Ontario
Classification: Benign for Cardiomyopathy. Last evaluated: 2017-03-13. Review status: criteria provided, single submitter. Criteria: ACMG Guidelines, 2015. Collection method: clinical testing. Allele origin: germline. Study: Canadian Open Genetics Repository.

Ambry Genetics
Classification: Benign for Cardiovascular phenotype. Last evaluated: 2015-12-20. Review status: criteria provided, single submitter. Criteria: Ambry General Variant Classification Scheme_2022. Collection method: clinical testing. Allele origin: germline. Observed: 1 variant allele.

GeneDx
Classification: Benign. Last evaluated: 2014-02-21. Review status: criteria provided, single submitter. Criteria: GeneDx Variant Classification (06012015). Collection method: clinical testing. Allele origin: germline. Affected: yes.
Comment: This variant is considered likely benign or benign based on one or more of the following criteria: it is a conservative change, it occurs at a poorly conserved position in the protein, it is predicted to be benign by multiple in silico algorithms, and/or has population frequency not consistent with disease.

Biesecker Lab/Clinical Genomics Section, National Institutes of Health
Classification: Benign. Last evaluated: 2013-06-24. Review status: criteria provided, single submitter. Criteria: Ng et al. (Circ Cardiovasc Genet. 2013). Collection method: research. Allele origin: unknown. Observed: 1 variant allele. Study: ClinSeq.
Comment: The study set was not selected for affection status in relation to any cancer. Pathogenicity categories were based on literature curation. See Pubmed ID:23861362 for details.

Medical sequencing

Laboratory for Molecular Medicine, Mass General Brigham Personalized Medicine
Classification: Benign. Last evaluated: 2012-02-17. Review status: criteria provided, single submitter. Criteria: LMM Criteria. Collection method: clinical testing. Allele origin: germline. Observed: 13 variant alleles.
Comment: Met863Leu in exon 15 of DSG2: This variant is not expected to have clinical sign ificance because it has been identified in 2.1% (63/3012) of African American ch romosomes from a broad population by the NHLBI Exome Sequencing Project (dbSNP rs16962093).

Clinical Genetics DNA and cytogenetics Diagnostics Lab, Erasmus MC, Erasmus Medical Center
Classification: Benign. Review status: no assertion criteria provided. Collection method: clinical testing. Allele origin: germline. Affected: yes. Study: VKGL Data-share Consensus. Not counted in ClinVar's aggregate classification.

Clinical Genetics, Academic Medical Center
Classification: Benign. Review status: no assertion criteria provided. Collection method: clinical testing. Allele origin: germline. Affected: yes. Study: VKGL Data-share Consensus. Not counted in ClinVar's aggregate classification.

Diagnostic Laboratory, Department of Genetics, University Medical Center Groningen
Classification: Likely benign. Review status: no assertion criteria provided. Collection method: clinical testing. Allele origin: germline. Affected: yes. Study: VKGL Data-share Consensus. Not counted in ClinVar's aggregate classification.

Genome Diagnostics Laboratory, University Medical Center Utrecht
Classification: Benign. Review status: no assertion criteria provided. Collection method: clinical testing. Allele origin: germline. Affected: yes. Study: VKGL Data-share Consensus. Not counted in ClinVar's aggregate classification.

Joint Genome Diagnostic Labs from Nijmegen and Maastricht, Radboudumc and MUMC+
Classification: Benign. Review status: no assertion criteria provided. Collection method: clinical testing. Allele origin: germline. Affected: yes. Study: VKGL Data-share Consensus. Not counted in ClinVar's aggregate classification.